The following is an entry in ClinVar:

NM_001378418.1(TCF20):c.1870G>A (p.Asp624Asn)

Gene: TCF20 (transcription factor 20; minus strand). Cytogenetic location: 22q13.2.
Variant type: single nucleotide variant.
Coding change: c.1870G>A on transcript NM_001378418.1 (MANE Select); coding-DNA position 1870, G replaced by A.
Protein change: p.Asp624Asn; replaces aspartic acid 624 with asparagine.
Molecular consequence: missense variant.
Genome position (GRCh38, 1-based): chr22:42,213,436, C>T on the plus strand (G>A on the coding strand, the complement: TCF20 is on the minus strand). VCF-style: chr22-42213436-C-T. GRCh37 (hg19) VCF-style: chr22-42609442-C-T.
Other names: c.1870G>A, p.Asp624Asn (NM_005650.4, NM_181492.3); short protein forms D624N.
Identifiers: ClinVar variation 5008398 (VCV005008398.1).

ClinVar aggregate classification (germline): Uncertain significance (1 of 4 stars; one submission).

Submission:

GeneDx
Classification: Uncertain significance. Last evaluated: 2026-02-24. Review status: criteria provided, single submitter. Criteria: GeneDx Variant Classification Process June 2021. Collection method: clinical testing. Allele origin: germline.
Comment: Not observed at significant frequency in large population cohorts (gnomAD); In silico analysis suggests that this missense variant does not alter protein structure/function; Has not been previously published as pathogenic or benign to our knowledge